The following is an entry in ClinVar:

ClinVar aggregate classification (germline): Uncertain significance (1 of 4 stars; one submission).

Conditions:
Adams-Oliver syndrome 5 (AOS5). Identifiers: Orphanet 974, MedGen C4014970, MONDO:0014459, OMIM 616028.

Submission:

Labcorp Genetics (formerly Invitae), Labcorp
Classification: Uncertain significance for Adams-Oliver syndrome 5. Last evaluated: 2025-07-08. Review status: criteria provided, single submitter. Criteria: Invitae Variant Classification Sherloc (09022015). Collection method: clinical testing. Allele origin: germline.
Comment: This sequence change replaces alanine, which is neutral and non-polar, with glutamic acid, which is acidic and polar, at codon 1906 of the NOTCH1 protein (p.Ala1906Glu). This variant is not present in population databases (gnomAD no frequency). This variant has not been reported in the literature in individuals affected with NOTCH1-related conditions. Invitae Evidence Modeling of protein sequence and biophysical properties (such as structural, functional, and spatial information, amino acid conservation, physicochemical variation, residue mobility, and thermodynamic stability) indicates that this missense variant is not expected to disrupt NOTCH1 protein function with a negative predictive value of 80%. In summary, the available evidence is currently insufficient to determine the role of this variant in disease. Therefore, it has been classified as a Variant of Uncertain Significance.

NM_017617.5(NOTCH1):c.5717C>A (p.Ala1906Glu)

Gene: NOTCH1 (notch receptor 1; minus strand). Cytogenetic location: 9q34.3.
Variant type: single nucleotide variant.
Coding change: c.5717C>A on transcript NM_017617.5 (MANE Select); coding-DNA position 5717, C replaced by A.
Protein change: p.Ala1906Glu; replaces alanine 1906 with glutamic acid.
Molecular consequence: missense variant.
Genome position (GRCh38, 1-based): chr9:136,500,769, G>T on the plus strand (C>A on the coding strand, the complement: NOTCH1 is on the minus strand). VCF-style: chr9-136500769-G-T. GRCh37 (hg19) VCF-style: chr9-139395221-G-T.
Other names: short protein forms A1906E.
Identifiers: ClinVar variation 4740893 (VCV004740893.1).